The following is an entry in ClinVar:

ClinVar aggregate classification (germline): Conflicting classifications of pathogenicity. Review status: criteria provided, conflicting classifications (1 of 4 stars). 2 submissions from 2 submitters: Uncertain significance (1); Likely benign (1). Last evaluated 2026-01-26.

Allele frequency attached by ClinVar (database versions not stated): ExAC 0.00006; gnomAD exomes 0.00006 and 0.00007; TOPMed 0.00006; ESP Exome Variant Server 0.00008; gnomAD 0.00008.
gnomAD v4.1: 104 of 1,613,952 alleles (0.0064%); highest among the groups gnomAD compares: Non-Finnish European, 0.0026%; no homozygotes.

Submissions (2):

Labcorp Genetics (formerly Invitae), Labcorp
Classification: Uncertain significance. Last evaluated: 2026-01-26. Review status: criteria provided, single submitter. Criteria: Invitae Variant Classification Sherloc (09022015). Collection method: clinical testing. Allele origin: germline.
Comment: This sequence change replaces proline, which is neutral and non-polar, with leucine, which is neutral and non-polar, at codon 713 of the NLRP1 protein (p.Pro713Leu). This variant is present in population databases (rs201871435, gnomAD 0.2%). This variant has not been reported in the literature in individuals affected with NLRP1-related conditions. ClinVar contains an entry for this variant (Variation ID: 1405957). An algorithm developed to predict the effect of missense changes on protein structure and function outputs the following: PolyPhen-2: "Benign". The leucine amino acid residue is found in multiple mammalian species, which suggests that this missense change does not adversely affect protein function. In summary, the available evidence is currently insufficient to determine the role of this variant in disease. Therefore, it has been classified as a Variant of Uncertain Significance.

Mayo Clinic Laboratories, Mayo Clinic
Classification: Likely benign. Last evaluated: 2025-10-16. Review status: criteria provided, single submitter. Criteria: ACMG Guidelines, 2015. Collection method: clinical testing. Allele origin: germline. Observed: 1 variant allele.
Comment: BS1, BP4

NM_033004.4(NLRP1):c.2138C>T (p.Pro713Leu)

Gene: NLRP1 (NLR family pyrin domain containing 1; minus strand). Cytogenetic location: 17p13.2.
Variant type: single nucleotide variant.
Coding change: c.2138C>T on transcript NM_033004.4 (MANE Select); coding-DNA position 2138, C replaced by T.
Protein change: p.Pro713Leu; replaces proline 713 with leucine.
Molecular consequence: missense variant.
Genome position (GRCh38, 1-based): chr17:5,558,558, G>A on the plus strand (C>T on the coding strand, the complement: NLRP1 is on the minus strand). VCF-style: chr17-5558558-G-A. GRCh37 (hg19) VCF-style: chr17-5461878-G-A.
Other names: p.Pro713Leu; c.2138C>T, p.Pro713Leu (NM_001033053.3, NM_014922.5, NM_033006.4 and 1 more transcripts); short protein forms P713L.
Identifiers: ClinVar variation 1405957 (VCV001405957.7), dbSNP rs201871435, ClinGen allele CA8327248.